The following is an entry in ClinVar:

ClinVar aggregate classification (germline): Uncertain significance. Review status: criteria provided, multiple submitters, no conflicts (2 of 4 stars). 3 submissions from 3 submitters: Uncertain significance (3). Last evaluated 2024-05-21.

Allele frequency attached by ClinVar (database versions not stated): gnomAD exomes 0.00003 and 0.00006; gnomAD 0.00005 and 0.00006; TOPMed 0.00005; ExAC 0.00006; ESP Exome Variant Server 0.00008.
gnomAD v4.1: 50 of 1,614,024 alleles (0.0031%); highest among the groups gnomAD compares: South Asian, 0.0088%; no homozygotes.

Submissions (3):

GeneDx
Classification: Uncertain significance. Last evaluated: 2024-05-21. Review status: criteria provided, single submitter. Criteria: GeneDx Variant Classification Process June 2021. Collection method: clinical testing. Allele origin: germline. Affected: yes.
Comment: In silico analysis supports that this missense variant has a deleterious effect on protein structure/function; Has not been previously published as pathogenic or benign to our knowledge

Women's Health and Genetics/Laboratory Corporation of America, LabCorp
Classification: Uncertain significance. Last evaluated: 2023-11-08. Review status: criteria provided, single submitter. Criteria: LabCorp Variant Classification Summary - May 2015. Collection method: clinical testing. Allele origin: germline.
Comment: Variant summary: VWF c.1324C>T (p.Arg442Cys) results in a non-conservative amino acid change located in the von Willebrand factor, type D domain (IPR001846) of the encoded protein sequence. Five of five in-silico tools predict a damaging effect of the variant on protein function. The variant allele was found at a frequency of 6.4e-05 in 250156 control chromosomes (gnomAD). This frequency is not significantly higher than estimated for a pathogenic variant in VWF causing Von Willebrand Disease (6.4e-05 vs ND), allowing no conclusion about variant significance. To our knowledge, no occurrence of c.1324C>T in individuals affected with Von Willebrand Disease and no experimental evidence demonstrating its impact on protein function have been reported. Two submitters have cited clinical-significance assessments for this variant to ClinVar after 2014. Both submitters classified the variant as uncertain significance. Based on the evidence outlined above, the variant was classified as uncertain significance.

Quest Diagnostics Nichols Institute San Juan Capistrano
Classification: Uncertain significance. Last evaluated: 2019-10-28. Review status: criteria provided, single submitter. Criteria: Quest Diagnostics criteria. Collection method: clinical testing. Allele origin: unknown.

NM_000552.5(VWF):c.1324C>T (p.Arg442Cys)

Gene: VWF (von Willebrand factor; minus strand). Cytogenetic location: 12p13.31.
Variant type: single nucleotide variant.
Coding change: c.1324C>T on transcript NM_000552.5 (MANE Select); coding-DNA position 1324, C replaced by T.
Protein change: p.Arg442Cys; replaces arginine 442 with cysteine.
Molecular consequence: missense variant.
Genome position (GRCh38, 1-based): chr12:6,064,354, G>A on the plus strand (C>T on the coding strand, the complement: VWF is on the minus strand). VCF-style: chr12-6064354-G-A. GRCh37 (hg19) VCF-style: chr12-6173520-G-A.
Other names: c.1324C>T (NM_000552.3); short protein forms R442C.
Identifiers: ClinVar variation 806808 (VCV000806808.16), dbSNP rs148247755, ClinGen allele CA6403451.
Genomic context (GRCh38, chr12:6,064,354, plus strand): 5'-CCCCATGCTTCAGTTTCACAAGGCTGTTGTGCAGGCCAGGCAGCCGGACGGTGACGGAGC[G>A]GGTGCACACAGCGTCGCGGTCATCAGCACACTGCCAAGAGGGAACACAGGGTGACTTTGC-3'
Protein context (NP_000543.3, residues 432-452): CADDRDAVCT[Arg442Cys]SVTVRLPGLH